The following is an entry in ClinVar:

ClinVar aggregate classification (germline): Uncertain significance (1 of 4 stars; one submission).

Allele frequency attached by ClinVar (database versions not stated): gnomAD exomes below 0.00001; TOPMed below 0.00001.

Submission:

Labcorp Genetics (formerly Invitae), Labcorp
Classification: Uncertain significance. Last evaluated: 2023-08-02. Review status: criteria provided, single submitter. Criteria: Invitae Variant Classification Sherloc (09022015). Collection method: clinical testing. Allele origin: germline.
Comment: This sequence change replaces methionine, which is neutral and non-polar, with isoleucine, which is neutral and non-polar, at codon 1000 of the SON protein (p.Met1000Ile). In summary, the available evidence is currently insufficient to determine the role of this variant in disease. Therefore, it has been classified as a Variant of Uncertain Significance. An algorithm developed to predict the effect of missense changes on protein structure and function (PolyPhen-2) suggests that this variant is likely to be disruptive. This variant has not been reported in the literature in individuals affected with SON-related conditions. This variant is present in population databases (no rsID available, gnomAD 0.0009%).

NM_138927.4(SON):c.3000G>A (p.Met1000Ile)

Gene: SON (SON DNA and RNA binding protein; plus strand). Cytogenetic location: 21q22.11.
Variant type: single nucleotide variant.
Coding change: c.3000G>A on transcript NM_138927.4 (MANE Select); coding-DNA position 3000, G replaced by A.
Protein change: p.Met1000Ile; replaces methionine 1000 with isoleucine.
Molecular consequence: missense variant. On other transcripts: non-coding transcript variant (1), intron variant (1).
Genome position (GRCh38, 1-based): chr21:33,552,231, G>A. VCF-style: chr21-33552231-G-A. GRCh37 (hg19) VCF-style: chr21-34924537-G-A.
Other names: c.3000G>A, p.Met1000Ile (NM_001291411.2, NM_001412133.1, NM_032195.3 and 2 more transcripts); c.245-4925G>A (NM_001291412.3); short protein forms M1000I.
Identifiers: ClinVar variation 2777439 (VCV002777439.3), dbSNP rs1427386190, ClinGen allele CA410159222.